The following is an entry in ClinVar:

NM_000157.4(GBA1):c.928A>G (p.Ser310Gly)

Genes: GBA1 (glucosylceramidase beta 1; minus strand), LOC106627981 (GBA recombination region; plus strand). Cytogenetic location: 1q22.
Variant type: single nucleotide variant.
Coding change: c.928A>G on transcript NM_000157.4 (MANE Select); coding-DNA position 928, A replaced by G.
Protein change: p.Ser310Gly; replaces serine 310 with glycine.
Molecular consequence: missense variant.
Genome position (GRCh38, 1-based): chr1:155,237,412, T>C on the plus strand (A>G on the coding strand, the complement: GBA1 is on the minus strand). VCF-style: chr1-155237412-T-C. GRCh37 (hg19) VCF-style: chr1-155207203-T-C.
Other names: c.928A>G (NM_000157.3); c.928A>G, p.Ser310Gly (NM_001005741.3, NM_001005742.3); c.667A>G, p.Ser223Gly (NM_001171811.2); c.781A>G, p.Ser261Gly (NM_001171812.2); short protein forms S310G, S261G, S223G.
Identifiers: ClinVar variation 597184 (VCV000597184.56), dbSNP rs1057942, ClinGen allele CA1141658.

ClinVar aggregate classification (germline): Conflicting classifications of pathogenicity. Review status: criteria provided, conflicting classifications (1 of 4 stars). 10 submissions from 10 submitters: Pathogenic (1); Likely pathogenic (7); Uncertain significance (2). Last evaluated 2026-02-16.

Conditions:
Lewy body dementia (DLB). Also called: Lewy Body Disease. Identifiers: MedGen C0752347, MONDO:0007488, OMIM 127750.
Gaucher disease type I (GD1). Also called: GD 1; Gaucher's disease, type 1; Type 1 Gaucher Disease; ACID BETA-GLUCOSIDASE DEFICIENCY; GAUCHER DISEASE, NONCEREBRAL JUVENILE; GBA DEFICIENCY. Identifiers: Orphanet 355, Orphanet 77259, MedGen C1961835, MONDO:0009265, OMIM 230800.
Gaucher disease type II (GD2). Also called: Acute neuronopathic Gaucher's disease; Type 2 Gaucher disease (Acute; Infantile); GAUCHER DISEASE, ACUTE NEURONOPATHIC TYPE; GD II. Identifiers: Orphanet 77260, MedGen C0268250, MONDO:0009266, OMIM 230900.
Gaucher disease type III. Also called: Subacute neuronopathic Gaucher's disease; Gaucher Disease, Type 3; Type 3 Gaucher disease (Subacute; Juvenile); GAUCHER DISEASE, CHRONIC NEURONOPATHIC TYPE; GAUCHER DISEASE, JUVENILE AND ADULT, CEREBRAL; GAUCHER DISEASE, SUBACUTE NEURONOPATHIC TYPE. Identifiers: Orphanet 355, Orphanet 77261, MedGen C0268251, MONDO:0009267, OMIM 231000.
Gaucher disease perinatal lethal. Also called: Gaucher disease collodion type; Gaucher Disease, Perinatal-Lethal Form. Identifiers: Orphanet 85212, MedGen C1842704, MONDO:0011945, OMIM 608013.
Parkinson disease, late-onset (PD). Also called: PARKINSON DISEASE, LATE-ONSET, SUSCEPTIBILITY TO; Susceptibility to Parkinson's Disease; Hereditary late onset Parkinson disease. Identifiers: Orphanet 411602, MedGen C3160718, MONDO:0008199, OMIM 168600.
Gaucher disease-ophthalmoplegia-cardiovascular calcification syndrome. Also called: GAUCHER DISEASE, TYPE IIIC. Identifiers: Orphanet 2072, MedGen C1856476, MONDO:0009268, OMIM 231005.
Gaucher disease. Also called: Acute cerebral Gaucher disease; Cerebroside lipidosis syndrome; Gaucher splenomegaly; Sphingolipidosis 1; Glucocerebrosidosis; Glucosylceramidase deficiency. Identifiers: Orphanet 355, MedGen C0017205, MONDO:0018150.

Allele frequency attached by ClinVar (database versions not stated): gnomAD 0.00004; TOPMed 0.00004.
gnomAD v4.1: 32 of 1,613,860 alleles (0.002%); highest among the groups gnomAD compares: Middle Eastern, 0.016%; no homozygotes.

Submissions (10):

Otogenetics
Classification: Likely pathogenic for Gaucher disease type I; Gaucher disease type III; Gaucher disease type II; Gaucher disease; Gaucher disease perinatal lethal; Gaucher disease-ophthalmoplegia-cardiovascular calcification syndrome. Last evaluated: 2026-02-16. Review status: criteria provided, single submitter. Criteria: ACMG Guidelines, 2015. Collection method: clinical testing. Allele origin: germline.

Natera, Inc.
Classification: Likely pathogenic for Gaucher disease. Last evaluated: 2025-11-14. Review status: criteria provided, single submitter. Criteria: Natera Variant Classification Schema (03/2026). Collection method: clinical testing. Allele origin: germline.
Comment: The c.928A>G variant in GBA1 is a missense variant predicted to cause substitution of serine to glycine at amino acid 310. This variant is rare in the general population with a frequency below the threshold expected for the associated phenotype(s). This variant has been observed in one or more individuals affected with the associated recessive disease, as either homozygous or compound heterozygous with a second variant (PMID: 21779299, 32165122, 33583590, 34134921, 36683633, 36637080, 37328863). A different variant at the same position has been determined to be Pathogenic or Likely Pathogenic. Given the available evidence, this variant is classified as Likely Pathogenic.

Blueprint Genetics
Classification: Uncertain significance. Last evaluated: 2024-07-16. Review status: criteria provided, single submitter. Criteria: ACMG Guidelines, 2015. Collection method: clinical testing. Allele origin: germline.

GeneDx
Classification: Uncertain significance. Last evaluated: 2023-12-19. Review status: criteria provided, single submitter. Criteria: GeneDx Variant Classification Process June 2021. Collection method: clinical testing. Allele origin: germline. Affected: yes.
Comment: Reported as heterozygous in multiple individuals with late onset Parkinson disease and early onset Parkinson disease and also seen in controls (PMID: 33281709, 18541817, 21779299, 34779914, 35861376, 37658046, 36872856, 37312046, 32613234); Reported previously in a patient with progressive supranuclear palsy and seen in one control; no further clinical information was provided (PMID: 35842134); In silico analysis supports that this missense variant does not alter protein structure/function; In silico analysis suggests this variant may impact gene splicing. In the absence of RNA/functional studies, the actual effect of this sequence change is unknown.; This variant is associated with the following publications: (PMID: 18541817, 33583590, 32618053, 34134921, 32165122, 37312046, 34779914, 35861376, 36872856, 37658046, 21779299, 36683633, 33281709, 33383316, 36637080, 34867278, 35842134, 32613234)

CeGaT Center for Human Genetics Tuebingen
Classification: Likely pathogenic. Last evaluated: 2023-10-01. Review status: criteria provided, single submitter. Criteria: CeGaT Center For Human Genetics Tuebingen Variant Classification Criteria Version 2. Collection method: clinical testing. Allele origin: germline. Affected: yes. Observed: 3 variant alleles.
Comment: GBA1: PM2, PM3, PM5

Department of Pathology and Laboratory Medicine, Sinai Health System
Classification: Likely pathogenic for Gaucher disease. Last evaluated: 2023-01-26. Review status: criteria provided, single submitter. Criteria: ACMG Guidelines, 2015. Collection method: research. Allele origin: germline.

Institute of Human Genetics Munich, TUM University Hospital
Classification: Pathogenic for Parkinson disease, late-onset. Last evaluated: 2023-01-25. Review status: criteria provided, single submitter. Criteria: Classification criteria August 2017. Collection method: clinical testing. Allele origin: germline. Inheritance: Autosomal dominant inheritance. Affected: yes. Observed: 1 variant allele.

Fulgent Genetics
Classification: Likely pathogenic for Lewy body dementia; Parkinson disease, late-onset; Gaucher disease type I; Gaucher disease type II; Gaucher disease type III; Gaucher disease-ophthalmoplegia-cardiovascular calcification syndrome; Gaucher disease perinatal lethal. Last evaluated: 2021-09-26. Review status: criteria provided, single submitter. Criteria: ACMG Guidelines, 2015. Collection method: clinical testing. Allele origin: unknown.

Eurofins Ntd Llc (ga)
Classification: Likely pathogenic. Last evaluated: 2018-06-04. Review status: criteria provided, single submitter. Criteria: EGL ClinVar v180209 classification definitions. Collection method: clinical testing. Allele origin: germline. Observed: 1 variant allele, 1 heterozygote.

Juno Genomics, Hangzhou Juno Genomics, Inc
Classification: Likely pathogenic for Gaucher disease perinatal lethal; Gaucher disease type I; Gaucher disease type II; Gaucher disease type III; Gaucher disease-ophthalmoplegia-cardiovascular calcification syndrome. Review status: criteria provided, single submitter. Criteria: ACMG Guidelines, 2015. Collection method: clinical testing. Allele origin: germline.
Comment: Absent from controls (or at extremely low frequency if recessive) in Genome Aggregation Database.;Multiple lines of computational evidence support a deleterious effect on the gene or gene product.;For recessive disorders, detected in trans with a pathogenic variant.;Patient's phenotype or family history is highly specific for a disease with a single genetic etiology.

Literature cited by the submitters: PubMed 9153297 (cited by Otogenetics); PubMed 36683633 (cited by Otogenetics and Natera, Inc.); This variant was confirmed by long range PCR/nesting PCR and Sanger sequencing. PM2: Maximum gnomAD MAF of 0.02% in East Asian (EAS) subpopulation (<0.252% threshold) (cited by Otogenetics); PM3: Variant reported in trans with another pathogenic variant in one patient affected with Gaucher disease (PMID: 36683633) (cited by Otogenetics); PM5: Pathogenic missense amino acid changes occur in same position: c.929G>A p.Ser310Asn (PMID: 9153297) (cited by Otogenetics); PP3: In-silico models predict deleterious effect (Revel = 0.74, BayesDel = 0.41) (cited by Otogenetics); PubMed 21779299 (cited by Natera, Inc.); PubMed 32165122 (cited by Natera, Inc.); PubMed 33583590 (cited by Natera, Inc.); PubMed 34134921 (cited by Natera, Inc.); PubMed 36637080 (cited by Natera, Inc.); PubMed 37328863 (cited by Natera, Inc.).